The following is an entry in ClinVar:

ClinVar aggregate classification (germline): Uncertain significance (1 of 4 stars; one submission).

Submission:

Labcorp Genetics (formerly Invitae), Labcorp
Classification: Uncertain significance. Last evaluated: 2023-05-15. Review status: criteria provided, single submitter. Criteria: Invitae Variant Classification Sherloc (09022015). Collection method: clinical testing. Allele origin: germline.
Comment: This sequence change replaces lysine, which is basic and polar, with threonine, which is neutral and polar, at codon 198 of the COL9A3 protein (p.Lys198Thr). This variant is not present in population databases (gnomAD no frequency). This variant has not been reported in the literature in individuals affected with COL9A3-related conditions. Advanced modeling of protein sequence and biophysical properties (such as structural, functional, and spatial information, amino acid conservation, physicochemical variation, residue mobility, and thermodynamic stability) performed at Invitae indicates that this missense variant is not expected to disrupt COL9A3 protein function. In summary, the available evidence is currently insufficient to determine the role of this variant in disease. Therefore, it has been classified as a Variant of Uncertain Significance.

NM_001853.4(COL9A3):c.593A>C (p.Lys198Thr)

Gene: COL9A3 (collagen type IX alpha 3 chain; plus strand). Cytogenetic location: 20q13.33.
Variant type: single nucleotide variant.
Coding change: c.593A>C on transcript NM_001853.4 (MANE Select); coding-DNA position 593, A replaced by C.
Protein change: p.Lys198Thr; replaces lysine 198 with threonine.
Molecular consequence: missense variant.
Genome position (GRCh38, 1-based): chr20:62,824,984, A>C. VCF-style: chr20-62824984-A-C. GRCh37 (hg19) VCF-style: chr20-61456336-A-C.
Other names: short protein forms K198T.
Identifiers: ClinVar variation 2864485 (VCV002864485.3), dbSNP rs2516039525, ClinGen allele CA409590849.